The following is an entry in ClinVar:

ClinVar aggregate classification (germline): Uncertain significance (1 of 4 stars; one submission).

gnomAD v4.1: 1 of 1,614,098 alleles (0.000062%); highest among the groups gnomAD compares: South Asian, 0.0011%; no homozygotes.

Submission:

Labcorp Genetics (formerly Invitae), Labcorp
Classification: Uncertain significance. Last evaluated: 2022-06-13. Review status: criteria provided, single submitter. Criteria: Invitae Variant Classification Sherloc (09022015). Collection method: clinical testing. Allele origin: germline.
Comment: This variant is not present in population databases (gnomAD no frequency). This sequence change replaces arginine, which is basic and polar, with proline, which is neutral and non-polar, at codon 40 of the GUCA1A protein (p.Arg40Pro). This variant has not been reported in the literature in individuals affected with GUCA1A-related conditions. In summary, the available evidence is currently insufficient to determine the role of this variant in disease. Therefore, it has been classified as a Variant of Uncertain Significance. Algorithms developed to predict the effect of missense changes on protein structure and function are either unavailable or do not agree on the potential impact of this missense change (SIFT: "Not Available"; PolyPhen-2: "Possibly Damaging"; Align-GVGD: "Not Available").

NM_001384910.1(GUCA1A):c.119G>C (p.Arg40Pro)

Genes: GUCA1ANB-GUCA1A (GUCA1ANB-GUCA1A readthrough; plus strand), GUCA1A (guanylate cyclase activator 1A; plus strand). Cytogenetic location: 6p21.1.
Variant type: single nucleotide variant.
Coding change: c.119G>C on transcript NM_001384910.1 (MANE Select); coding-DNA position 119, G replaced by C.
Protein change: p.Arg40Pro; replaces arginine 40 with proline.
Molecular consequence: missense variant.
Genome position (GRCh38, 1-based): chr6:42,173,732, G>C. VCF-style: chr6-42173732-G-C. GRCh37 (hg19) VCF-style: chr6-42141470-G-C.
Other names: c.119G>C, p.Arg40Pro (NM_000409.5, NM_001319061.2, NM_001319062.2); short protein forms R40P.
Identifiers: ClinVar variation 2004409 (VCV002004409.4), dbSNP rs186171388, ClinGen allele CA364105767.